The following is an entry in ClinVar:

ClinVar aggregate classification (germline): Pathogenic. Review status: criteria provided, multiple submitters, no conflicts (2 of 4 stars). 2 submissions from 2 submitters: Pathogenic (2). Last evaluated 2024-10-17.

Conditions:
Polycystic kidney disease, adult type (PKD1). Also called: POLYCYSTIC KIDNEY DISEASE, ADULT, TYPE I; Polycystic Kidney Disease 1, Autosomal Dominant; Polycystic kidney disease 1; Polycystic kidney disease 1, severe; Polycystic Kidney, Autosomal Dominant; POLYCYSTIC KIDNEY DISEASE 1 WITH OR WITHOUT POLYCYSTIC LIVER DISEASE. Identifiers: MedGen C3149841, MONDO:0008263, OMIM 173900.

Submissions (2):

Department of Pathology and Laboratory Medicine, Sinai Health System
Classification: Pathogenic for Polycystic kidney disease, adult type. Last evaluated: 2024-10-17. Review status: criteria provided, single submitter. Criteria: ACMG Guidelines, 2015. Collection method: clinical testing. Allele origin: germline.

Juno Genomics, Hangzhou Juno Genomics, Inc
Classification: Pathogenic for Polycystic kidney disease, adult type. Review status: criteria provided, single submitter. Criteria: ACMG Guidelines, 2015. Collection method: clinical testing. Allele origin: germline. Affected: yes.
Comment: Null variant in a gene where loss of function (LOF) is a known mechanism of disease.;Absent from controls (or at extremely low frequency if recessive) in Genome Aggregation Database, Exome Sequencing Project, 1000 Genomes Project, or Exome Aggregation Consortium.;Patient's phenotype or family history is highly specific for a disease with a single genetic etiology.

NM_001009944.3(PKD1):c.4156C>T (p.Gln1386Ter)

Gene: PKD1 (polycystin 1, transient receptor potential channel interacting; minus strand). Cytogenetic location: 16p13.3.
Variant type: single nucleotide variant.
Coding change: c.4156C>T on transcript NM_001009944.3 (MANE Select); coding-DNA position 4156, C replaced by T.
Protein change: p.Gln1386Ter; replaces glutamine 1386 with a stop codon.
Molecular consequence: nonsense.
Genome position (GRCh38, 1-based): chr16:2,111,011, G>A on the plus strand (C>T on the coding strand, the complement: PKD1 is on the minus strand). VCF-style: chr16-2111011-G-A. GRCh37 (hg19) VCF-style: chr16-2161012-G-A.
Other names: c.4156C>T, p.Gln1386Ter (NM_000296.4); short protein forms Q1386*.
Identifiers: ClinVar variation 3381993 (VCV003381993.3).
Genomic context (GRCh38, chr16:2,111,011, plus strand): 5'-GCCAGGCACATGCCACCAGCCAGGCCTCGTCCCCGAGCTGCACAAACTGCCTCTCTGGCT[G>A]CAGGGTGACGTTGCCCACCTCTGGCTCCACGCAGATGCTGGTGAAGTAATGCGCCCTGTT-3'